The following is an entry in ClinVar:

NM_000432.4(MYL2):c.497A>C (p.Asp166Ala)

Gene: MYL2 (myosin light chain 2; minus strand). Cytogenetic location: 12q24.11.
Variant type: single nucleotide variant.
Coding change: c.497A>C on transcript NM_000432.4 (MANE Select); coding-DNA position 497, A replaced by C.
Protein change: p.Asp166Ala; replaces aspartic acid 166 with alanine.
Molecular consequence: missense variant.
Genome position (GRCh38, 1-based): chr12:110,911,081, T>G on the plus strand (A>C on the coding strand, the complement: MYL2 is on the minus strand). VCF-style: chr12-110911081-T-G. GRCh37 (hg19) VCF-style: chr12-111348885-T-G.
Other names: short protein forms D166A.
Identifiers: ClinVar variation 940358 (VCV000940358.10), dbSNP rs199474815, ClinGen allele CA386696688.

ClinVar aggregate classification (germline): Uncertain significance (1 of 4 stars; one submission).

Conditions:
Hypertrophic cardiomyopathy 10. Also called: CARDIOMYOPATHY, HYPERTROPHIC, MID-LEFT VENTRICULAR CHAMBER TYPE, 2; MYL2-Related Familial Hypertrophic Cardiomyopathy. Identifiers: MedGen C1834460, MONDO:0012112, OMIM 608758.

Submission:

Labcorp Genetics (formerly Invitae), Labcorp
Classification: Uncertain significance for Hypertrophic cardiomyopathy 10. Last evaluated: 2019-08-14. Review status: criteria provided, single submitter. Criteria: Invitae Variant Classification Sherloc (09022015). Collection method: clinical testing. Allele origin: germline.
Comment: In summary, the available evidence is currently insufficient to determine the role of this variant in disease. Therefore, it has been classified as a Variant of Uncertain Significance. This sequence change replaces aspartic acid with alanine at codon 166 of the MYL2 protein (p.Asp166Ala). The aspartic acid residue is moderately conserved and there is a moderate physicochemical difference between aspartic acid and alanine. This variant is not present in population databases (ExAC no frequency). This variant has not been reported in the literature in individuals with MYL2-related conditions. Algorithms developed to predict the effect of missense changes on protein structure and function are either unavailable or do not agree on the potential impact of this missense change (SIFT: "Tolerated"; PolyPhen-2: "Possibly Damaging"; Align-GVGD: "Class C0").